The following is an entry in ClinVar:

ClinVar aggregate classification (germline): Uncertain significance (1 of 4 stars; one submission).

Conditions:
Mucopolysaccharidosis type 7 (MPS7). Also called: BETA-GLUCURONIDASE DEFICIENCY; SLY SYNDROME; MPS VII; GUSB DEFICIENCY. Identifiers: Orphanet 584, MedGen C0085132, MONDO:0009662, OMIM 253220.

Allele frequency attached by ClinVar (database versions not stated): gnomAD exomes 0.00001; gnomAD 0.00002; TOPMed 0.00003.
gnomAD v4.1: 8 of 1,614,082 alleles (0.0005%); highest among the groups gnomAD compares: African/African-American, 0.008%; no homozygotes.

Submission:

Labcorp Genetics (formerly Invitae), Labcorp
Classification: Uncertain significance for Mucopolysaccharidosis type 7. Last evaluated: 2022-01-17. Review status: criteria provided, single submitter. Criteria: Invitae Variant Classification Sherloc (09022015). Collection method: clinical testing. Allele origin: germline.
Comment: This sequence change replaces histidine, which is basic and polar, with asparagine, which is neutral and polar, at codon 424 of the GUSB protein (p.His424Asn). This variant is present in population databases (no rsID available, gnomAD 0.01%). This variant has not been reported in the literature in individuals affected with GUSB-related conditions. Algorithms developed to predict the effect of missense changes on protein structure and function output the following: SIFT: "Tolerated"; PolyPhen-2: "Benign"; Align-GVGD: "Class C0". The asparagine amino acid residue is found in multiple mammalian species, which suggests that this missense change does not adversely affect protein function. In summary, the available evidence is currently insufficient to determine the role of this variant in disease. Therefore, it has been classified as a Variant of Uncertain Significance.

NM_000181.4(GUSB):c.1270C>A (p.His424Asn)

Gene: GUSB (glucuronidase beta; minus strand). Cytogenetic location: 7q11.21.
Variant type: single nucleotide variant.
Coding change: c.1270C>A on transcript NM_000181.4 (MANE Select); coding-DNA position 1270, C replaced by A.
Protein change: p.His424Asn; replaces histidine 424 with asparagine.
Molecular consequence: missense variant. On other transcripts: non-coding transcript variant (1).
Genome position (GRCh38, 1-based): chr7:65,974,416, G>T on the plus strand (C>A on the coding strand, the complement: GUSB is on the minus strand). VCF-style: chr7-65974416-G-T. GRCh37 (hg19) VCF-style: chr7-65439403-G-T.
Other names: c.832C>A, p.His278Asn (NM_001284290.2); c.700C>A, p.His234Asn (NM_001293104.2); c.613C>A, p.His205Asn (NM_001293105.2); short protein forms H205N, H278N, H234N, H424N.
Identifiers: ClinVar variation 1392926 (VCV001392926.5), dbSNP rs866996794, ClinGen allele CA159907185.